The following continues an entry in ClinVar:

NM_000169.3(GLA):c.427G>A (p.Ala143Thr)

ClinVar aggregate classification (germline): Conflicting classifications of pathogenicity. Pathogenic (1); Likely pathogenic (7); Uncertain significance (21); Likely benign (3).

Submissions 6 to 11 of 35:

Ambry Genetics
Classification: Uncertain significance for Cardiovascular phenotype. Last evaluated: 2025-12-05. Review status: criteria provided, single submitter. Criteria: Ambry Variant Classification Scheme 2023. Collection method: clinical testing. Allele origin: germline.
Comment: The p.A143T variant (also known as c.427G>A), located in coding exon 3 of the GLA gene, results from a G to A substitution at nucleotide position 427. The alanine at codon 143 is replaced by threonine, an amino acid with similar properties. This variant was first reported in a newborn with decreased alpha-galactosidase A (&alpha;-Gal A ) activity (Eng CM et al. Mol. Med., 1997 Mar;3:174-82). However, biopsies of affected organs, including nerve, heart, and kidney, in individuals with this variant have shown no evidence of Fabry disease (Terryn W et al. JIMD Rep., 2013 Jul;8:101-8; Sagnelli A et al. Neuromuscul. Disord., 2014 Mar;24:272-6; Smid BE et al. Clin. Genet., 2015 Aug;88:161-6). Males with normal or residual &alpha;-Gal A levels have also been reported (De Brabander I et al. Clin Neurol Neurosurg, 2013 Jul;115:1088-93; Smid BE et al. Clin. Genet., 2015 Aug;88:161-6; Lenders M et al. Orphanet J Rare Dis., 2016 May;11(1):54). In addition, functional studies of this alteration have also shown residual enzyme activity (Shabbeer J et al. Hum. Genomics, 2006 Mar;2:297-309; Lukas J et al. PLoS Genet., 2013 Aug;9(8)e1003632). Based on data from gnomAD, the A allele has an overall frequency of approximately 0.05% (104/205433) total alleles studied, including a total of 29 hemizygotes. The highest observed frequency was 0.23% (44/19165) of Swedish alleles. This amino acid position is well conserved in available vertebrate species. In addition, this alteration is predicted to be deleterious by in silico analysis. Since supporting evidence is conflicting at this time, the clinical significance of this alteration remains unclear.

Women's Health and Genetics/Laboratory Corporation of America, LabCorp
Classification: Uncertain significance. Last evaluated: 2025-08-25. Review status: criteria provided, single submitter. Criteria: LabCorp Variant Classification Summary - May 2015. Collection method: clinical testing. Allele origin: germline.
Comment: Variant summary: GLA c.427G>A (p.Ala143Thr) results in a non-conservative amino acid change in the encoded protein sequence. Algorithms developed to predict the effect of missense changes on protein structure and function all suggest that this variant is likely to be disruptive. The variant allele was found at a frequency of 0.00055 in 183467 control chromosomes. This frequency is not significantly higher than estimated for disease-causing variants in GLA, allowing no conclusion about variant significance. c.427G>A has been observed in individuals with a wide spectrum of phenotypes ranging from asymptomatic/normal to mild, late-onset, non-classic Fabry manifestations to classic Fabry disease (Blaydon_2001, Nance_2006, Spada_2006, Monserrat_2007, DeSchoenmakere_2008, Stiles_2020). The variant has also been reported in multiple families in which individuals had Fabry-associated phenotypes such as cardiomyopathy and renal failure, however these findings do not provide conclusive data for co-segregation of the variant with disease (Spada_2006, deBrabander_2012, Hauth_2018, Valtola_2020). Multiple publications report experimental evidence indicating that the variant results in a reduction of alpha-Gal-A enzyme activity compared to wild-type in both patient cells and cells in which the variant was transiently expressed (Spada_2006, Lukas_2013, Shabbeer_206, Welford_2018, Lender_2016), however the clinical impact of these findings is not clear, as lyso-Gb-3 levels in some patients with the variant have been reported at levels similar to controls (e.g. Lenders_2016, Lukas_2013, de Brabander_2012, Valtola_2020) and patients have been reported with no typical Gb-3 deposits on kidney biopsy (e.g. Terryn_2012). The following publications have been ascertained in the context of this evaluation (PMID: 18154965, 23935525, 16773563, 9100224, 16533976, 23430526, 18596132, 16595074, 23219219, 11668641, 29867742, 29982630, 27142856, 31949022, 32418857, 38618884). ClinVar contains an entry for this variant (Variation ID: 10748). Based on the evidence outlined above, the variant was classified as uncertain significance.

Revvity Omics, Revvity
Classification: Likely pathogenic. Last evaluated: 2025-06-04. Review status: criteria provided, single submitter. Criteria: ACMG Guidelines, 2015. Collection method: clinical testing. Allele origin: germline.

Mayo Clinic Laboratories, Mayo Clinic
Classification: Uncertain significance. Last evaluated: 2025-04-04. Review status: criteria provided, single submitter. Criteria: ACMG Guidelines, 2015. Collection method: clinical testing. Allele origin: germline. Observed: 5 variant alleles.
Comment: BS2, PP3

Color Diagnostics, LLC DBA Color Health
Classification: Uncertain significance for Fabry disease. Last evaluated: 2024-12-16. Review status: criteria provided, single submitter. Criteria: ACMG Guidelines, 2015. Collection method: clinical testing. Allele origin: germline.
Comment: This missense variant replaces alanine with threonine at codon 143 of the GLA protein. Computational prediction suggests that this variant may have a deleterious impact on protein structure and function. A functional study has shown that this variant leads to 36% residual alpha-galactosidase A (GLA) enzyme activity in transfected cells (PMID: 16773563). This variant has been reported in three individuals affected with hypertrophic cardiomyopathy (PMID: 25040344, 32531501, Koraichi et al. 2021, DOI: 10.1016/j.acvdsp.2020.10.086). However, two of them also carried a pathogenic variant in the MYBPC3 gene, which could fully explain the observed phenotype. This variant has been reported in many individuals with Fabry disease-related symptoms, such as renal failure, angiokeratoma, neuropathic pain, stroke, left ventricular hypertrophy, or other cardiac symptoms (PMID: 16773563, 21549080, 23219219, 27142856 , 30902821, 31650418, 31860127, 31907047, 31949022, 32011328, 32281532, 33617311, 35743707). Some adult male relatives carrying this variant have been reported to be asymptomatic (PMID: 21549080, 25040344, 27142856). Male carriers of this variant usually showed high residual GLA enzyme activity, while plasma globotriaosylsphingosine (lyso-Gb3) levels were typically normal. Both enzymatic activity and lyso-Gb3 levels were normal in most female carriers. Furthermore, cardiac and kidney biopsies from four symptomatic carriers showed no buildup of Gb3 in their affected organs (PMID: 23430526, 25040344). One study evaluating outcomes in cases of newborn screening results for this variant showed that plasma globotriaosylsphingosine (lyso-Gb3) levels were normal in all cases evaluated (PMID: 36156392). This variant has been identified in 104/205433 chromosomes (88/92769 Non-Finnish European chromosomes), including 29 hemizygotes, in the general population by the Genome Aggregation Database (gnomAD). This variant allele frequency in the general population is higher than expected for a disease-causing GLA variant. However, due to the observation in many individuals described as having Fabry disease-related phenotypes and some functional studies showing partially reduced GLA enzyme activity, the available evidence is insufficient to determine the role of this variant in disease conclusively. Therefore, this variant is classified as a Variant of Uncertain Significance.

ARUP Laboratories, Molecular Genetics and Genomics, ARUP Laboratories
Classification: Uncertain significance. Last evaluated: 2024-11-05. Review status: criteria provided, single submitter. Criteria: ARUP Molecular Germline Variant Investigation Process 2024. Collection method: clinical testing. Allele origin: germline.
Comment: The GLA c.427G>A; p.Ala143Thr variant (rs104894845; ClinVar ID: 10748) is reported in the literature in individuals with features of Fabry disease but also in unaffected individuals (De Brabander 2013, Hauth 2018, Hemelsoet 2021, Lenders 2016, Smid 2015, Terryn 2013, Valtola 2020). Affected individuals with this variant are often reported with late-onset, mild, or otherwise atypical clinical features of Fabry disease, and while residual enzyme activity is often reduced in patients, carriers often show normal levels of lyso-G3b (De Brabander 2013, Hauth 2018, Hemelsoet 2021, Lenders 2016, Lukas 2013, Smid 2015, Terryn 2013, Valtola 2020). This variant is found in the general population with an overall allele frequency of 0.05% (104/205,433 alleles, including 29 hemizygotes) in the Genome Aggregation Database (v2.1.1). Computational analyses predict that this variant is deleterious (REVEL: 0.858). Although evidence suggests this variant is unlikely to cause classic Fabry disease, a potential role in late-onset or atypical disease cannot be ruled out. Thus, due to limited and conflicting information, the clinical significance of this variant is uncertain at this time. References: De Brabander I et al. Phenotypical characterization of a-galactosidase A gene mutations identified in a large Fabry disease screening program in stroke in the young. Clin Neurol Neurosurg. 2013 Jul;115(7):1088-93. PMID: 23219219. Hauth L et al. Galactosidase Alpha p.A143T Variant Fabry Disease May Result in a Phenotype With Multifocal Microvascular Cerebral Involvement at a Young Age. Front Neurol. 2018 May 16;9:336. PMID: 29867742. Hemelsoet D et al. Screening for Fabry Disease in Male Patients With Arrhythmia Requiring a Pacemaker or an Implantable Cardioverter-Defibrillator. Circulation. 2021 Feb 23;143(8):872-874. PMID: 33617311. Lenders M et al. Alpha-Galactosidase A p.A143T, a non-Fabry disease-causing variant. Orphanet J Rare Dis. 2016 May 4;11(1):54. PMID: 27142856. Lukas J et al. Functional characterisation of alpha-galactosidase a mutations as a basis for a new classification system in fabry disease. PLoS Genet. 2013;9(8):e1003632. PMID: 23935525 Smid BE et al. Diagnostic dilemmas in Fabry disease: a case series study on GLA mutations of unknown clinical significance. Clin Genet. 2015 Aug;88(2):161-6. PMID: 25040344. Terryn W et al. Questioning the Pathogenic Role of the GLA p.Ala143Thr "Mutation" in Fabry Disease: Implications for Screening Studies and ERT. JIMD Rep. 2013;8:101-8. PMID: 23430526 Valtola K et al. Cardiomyopathy associated with the Ala143Thr variant of the alpha-galactosidase A gene. Heart. 2020 Apr;106(8):609-615. PMID: 31949022.